The following is an entry in ClinVar:

ClinVar aggregate classification (germline): Uncertain significance. Review status: criteria provided, multiple submitters, no conflicts (2 of 4 stars). 2 submissions from 2 submitters: Uncertain significance (2). Last evaluated 2024-02-28.

Conditions:
Hyperuricemia, pulmonary hypertension, renal failure, alkalosis syndrome (HUPRAS). Also called: HYPERURICEMIA, PULMONARY HYPERTENSION, RENAL FAILURE, AND ALKALOSIS SYNDROME; HUPRA SYNDROME. Identifiers: Orphanet 363694, MedGen C3151209, MONDO:0013458, OMIM 613845.

Allele frequency attached by ClinVar (database versions not stated): ExAC 0.00009; gnomAD exomes 0.00009.
gnomAD v4.1: 140 of 1,614,100 alleles (0.0087%); highest among the groups gnomAD compares: South Asian, 0.031%; no homozygotes.

Submissions (2):

Fulgent Genetics
Classification: Uncertain significance for Hyperuricemia, pulmonary hypertension, renal failure, alkalosis syndrome. Last evaluated: 2024-02-28. Review status: criteria provided, single submitter. Criteria: ACMG Guidelines, 2015. Collection method: clinical testing. Allele origin: germline.

Labcorp Genetics (formerly Invitae), Labcorp
Classification: Uncertain significance. Last evaluated: 2023-11-27. Review status: criteria provided, single submitter. Criteria: Invitae Variant Classification Sherloc (09022015). Collection method: clinical testing. Allele origin: germline.
Comment: This sequence change replaces arginine, which is basic and polar, with glutamine, which is neutral and polar, at codon 143 of the SARS2 protein (p.Arg143Gln). This variant is present in population databases (rs780832173, gnomAD 0.04%). This variant has not been reported in the literature in individuals affected with SARS2-related conditions. ClinVar contains an entry for this variant (Variation ID: 2060090). An algorithm developed to predict the effect of missense changes on protein structure and function (PolyPhen-2) suggests that this variant¬†is likely to be tolerated. In summary, the available evidence is currently insufficient to determine the role of this variant in disease. Therefore, it has been classified as a Variant of Uncertain Significance.

NM_017827.4(SARS2):c.428G>A (p.Arg143Gln)

Gene: SARS2 (seryl-tRNA synthetase 2, mitochondrial; minus strand). Cytogenetic location: 19q13.2.
Variant type: single nucleotide variant.
Coding change: c.428G>A on transcript NM_017827.4 (MANE Select); coding-DNA position 428, G replaced by A.
Protein change: p.Arg143Gln; replaces arginine 143 with glutamine.
Molecular consequence: missense variant. On other transcripts: intron variant (1).
Genome position (GRCh38, 1-based): chr19:38,921,633, C>T on the plus strand (G>A on the coding strand, the complement: SARS2 is on the minus strand). VCF-style: chr19-38921633-C-T. GRCh37 (hg19) VCF-style: chr19-39412273-C-T.
Other names: c.471-37G>A (NM_001145901.2); short protein forms R143Q.
Identifiers: ClinVar variation 2060090 (VCV002060090.4), dbSNP rs780832173, ClinGen allele CA9423182.